The following is an entry in ClinVar:

ClinVar aggregate classification (germline): Pathogenic (1 of 4 stars; one submission).

Conditions:
Cystinuria (CSNU). Also called: Cystinuria, non-type I; CYSTINURIA, TYPE I; CYSTINURIA, TYPE II; CYSTINURIA, TYPE III. Identifiers: Orphanet 214, MedGen C0010691, MONDO:0009067, OMIM 220100, HP:0003131.

Submission:

Labcorp Genetics (formerly Invitae), Labcorp
Classification: Pathogenic for Cystinuria. Last evaluated: 2022-10-12. Review status: criteria provided, single submitter. Criteria: Invitae Variant Classification Sherloc (09022015). Collection method: clinical testing. Allele origin: germline.
Comment: This variant results in a copy number gain of the genomic region encompassing exon(s) 5-9 of the SLC3A1 gene. While the exact position of this variant cannot be determined from the data, sub-genic copy number gains are generally in tandem (PMID: 25640679). This variant is predicted to be in-frame, and likely preserves the integrity of the reading frame. A similar copy number variant has been observed in individuals with cystinuria (PMID: 14531788; Invitae). For these reasons, this variant has been classified as Pathogenic.

Literature cited by the submitters: PubMed 25640679; PubMed 14531788.

NC_000002.11:g.(?_44527090)_(44541110_?)dup

Gene: SLC3A1 (solute carrier family 3 member 1; plus strand). Cytogenetic location: 2p21.
Variant type: Duplication.
Identifiers: ClinVar variation 648524 (VCV000648524.2).